The following is an entry in ClinVar:

ClinVar aggregate classification (germline): Uncertain significance (1 of 4 stars; one submission).

Submission:

Ambry Genetics
Classification: Uncertain significance. Last evaluated: 2024-01-03. Review status: criteria provided, single submitter. Criteria: Ambry Variant Classification Scheme 2023. Collection method: clinical testing. Allele origin: germline.
Comment: The p.Q391H variant (also known as c.1173G>T), located in coding exon 10 of the BUB1 gene, results from a G to T substitution at nucleotide position 1173. The glutamine at codon 391 is replaced by histidine, an amino acid with highly similar properties. This amino acid position is conserved. In addition, this alteration is predicted to be tolerated by in silico analysis. Since supporting evidence is limited at this time, the clinical significance of this alteration remains unclear.

NM_004336.5(BUB1):c.1173G>T (p.Gln391His)

Gene: BUB1 (BUB1 mitotic checkpoint serine/threonine kinase; minus strand). Cytogenetic location: 2q13.
Variant type: single nucleotide variant.
Coding change: c.1173G>T on transcript NM_004336.5 (MANE Select); coding-DNA position 1173, G replaced by T.
Protein change: p.Gln391His; replaces glutamine 391 with histidine.
Molecular consequence: missense variant.
Genome position (GRCh38, 1-based): chr2:110,661,626, C>A on the plus strand (G>T on the coding strand, the complement: BUB1 is on the minus strand). VCF-style: chr2-110661626-C-A. GRCh37 (hg19) VCF-style: chr2-111419203-C-A.
Other names: c.1113G>T, p.Gln371His (NM_001278616.2); c.1173G>T, p.Gln391His (NM_001278617.2); short protein forms Q371H, Q391H.
Identifiers: ClinVar variation 3223989 (VCV003223989.1), dbSNP rs2468017251, ClinGen allele CA348214260.